The following is an entry in ClinVar:

ClinVar aggregate classification (germline): Benign/Likely benign. Review status: criteria provided, single submitter (1 of 4 stars). 3 submissions from 1 submitter: Benign (2); Likely benign (1). Last evaluated 2018-01-13.

Conditions:
Retinitis pigmentosa (RP). Identifiers: Orphanet 791, MedGen C0035334, MeSH D012174, MONDO:0019200, OMIM 268000. Inheritance: Autosomal dominant, autosomal recessive and X linked inheritance.
Leber congenital amaurosis 7 (LCA7). Identifiers: Orphanet 65, MedGen C3151192, MONDO:0013449, OMIM 613829.
Cone-rod dystrophy 2 (CORD2). Also called: CONE-ROD RETINAL DYSTROPHY; Cone-rod retinal dystrophy 2. Identifiers: Orphanet 1872, MedGen C3489532, MONDO:0007362, OMIM 120970.

Allele frequency attached by ClinVar (database versions not stated): gnomAD 0.00473; 1000 Genomes Project 0.00879; 1000 Genomes Project 30x 0.00906.

Submissions (3):

Illumina Laboratory Services, Illumina
Classification: Benign for Retinitis pigmentosa. Last evaluated: 2018-01-13. Review status: criteria provided, single submitter. Criteria: ICSL Variant Classification Criteria 13 December 2019. Collection method: clinical testing. Allele origin: germline.
Comment: This variant was observed in the ICSL laboratory as part of a predisposition screen in an ostensibly healthy population. It had not been previously curated by ICSL or reported in the Human Gene Mutation Database (HGMD: prior to June 1st, 2018), and was therefore a candidate for classification through an automated scoring system. Utilizing variant allele frequency, disease prevalence and penetrance estimates, and inheritance mode, an automated score was calculated to assess if this variant is too frequent to cause the disease. Based on the score and internal cut-off values, a variant classified as benign is not then subjected to further curation. The score for this variant resulted in a classification of benign for this disease.

Illumina Laboratory Services, Illumina
Classification: Benign for Cone-rod dystrophy 2. Last evaluated: 2018-01-13. Review status: criteria provided, single submitter. Criteria: ICSL Variant Classification Criteria 13 December 2019. Collection method: clinical testing. Allele origin: germline.
Comment: the same text as in the submission from Illumina Laboratory Services, Illumina above.

Illumina Laboratory Services, Illumina
Classification: Likely benign for Leber congenital amaurosis 7. Last evaluated: 2018-01-13. Review status: criteria provided, single submitter. Criteria: ICSL Variant Classification Criteria 13 December 2019. Collection method: clinical testing. Allele origin: germline.
Comment: This variant was observed in the ICSL laboratory as part of a predisposition screen in an ostensibly healthy population. It had not been previously curated by ICSL or reported in the Human Gene Mutation Database (HGMD: prior to June 1st, 2018), and was therefore a candidate for classification through an automated scoring system. Utilizing variant allele frequency, disease prevalence and penetrance estimates, and inheritance mode, an automated score was calculated to assess if this variant is too frequent to cause the disease. Based on the score and internal cut-off values, a variant classified as likely benign is not then subjected to further curation. The score for this variant resulted in a classification of likely benign for this disease.

NM_000554.6(CRX):c.*972C>G

Gene: CRX (cone-rod homeobox; plus strand). Cytogenetic location: 19q13.33.
Variant type: single nucleotide variant.
Coding change: c.*972C>G on transcript NM_000554.6 (MANE Select); 972 bases downstream of the stop codon, C replaced by G.
Molecular consequence: 3 prime UTR variant.
Genome position (GRCh38, 1-based): chr19:47,840,939, C>G. VCF-style: chr19-47840939-C-G. GRCh37 (hg19) VCF-style: chr19-48344196-C-G.
Identifiers: ClinVar variation 329731 (VCV000329731.5), dbSNP rs12462416, ClinGen allele CA10652636.
Genomic context (GRCh38, chr19:47,840,939, plus strand): 5'-AATTTTTCTATTATTAGTAGAGACAGGGTTTTACCATGTTGGCCAGGCTGGTCTGGAACC[C>G]CTGACCTCAAGTGATCCGCCTGCCTCGGCCTCCCAAAGTGCTGGGATTACAGGCATGAGC-3'